The following is an entry in ClinVar:

ClinVar aggregate classification (germline): Uncertain significance (1 of 4 stars; one submission).

Submission:

Women's Health and Genetics/Laboratory Corporation of America, LabCorp
Classification: Uncertain significance. Last evaluated: 2025-10-06. Review status: criteria provided, single submitter. Criteria: LabCorp Variant Classification Summary - May 2015. Collection method: clinical testing. Allele origin: germline.
Comment: Variant summary: CFTR c.2174A>T (p.Glu725Val) results in a non-conservative amino acid change in the encoded protein sequence. Algorithms developed to predict the effect of missense changes on protein structure and function all suggest that this variant is likely to be disruptive. The variant was absent in 251228 control chromosomes. The available data on variant occurrences in the general population are insufficient to allow any conclusion about variant significance. To our knowledge, no occurrence of c.2174A>T in individuals affected with CFTR-related conditions and no experimental evidence demonstrating its impact on protein function have been reported. No submitters have cited clinical-significance assessments for this variant to ClinVar. Based on the evidence outlined above, the variant was classified as uncertain significance.

NM_000492.4(CFTR):c.2174A>T (p.Glu725Val)

Gene: CFTR (CF transmembrane conductance regulator; plus strand). Cytogenetic location: 7q31.2.
Variant type: single nucleotide variant.
Coding change: c.2174A>T on transcript NM_000492.4 (MANE Select); coding-DNA position 2174, A replaced by T.
Protein change: p.Glu725Val; replaces glutamic acid 725 with valine.
Molecular consequence: missense variant.
Genome position (GRCh38, 1-based): chr7:117,592,341, A>T. VCF-style: chr7-117592341-A-T. GRCh37 (hg19) VCF-style: chr7-117232395-A-T.
Other names: short protein forms E725V.
Identifiers: ClinVar variation 4687557 (VCV004687557.1).